The following is an entry in ClinVar:

NM_016628.5(WAC):c.1165+4A>G

Gene: WAC (WW domain containing adaptor with coiled-coil; plus strand). Cytogenetic location: 10p12.1.
Variant type: single nucleotide variant.
Coding change: c.1165+4A>G on transcript NM_016628.5 (MANE Select); 4 bases into the intron after coding-DNA position 1165, A replaced by G.
Molecular consequence: intron variant.
Genome position (GRCh38, 1-based): chr10:28,608,435, A>G. VCF-style: chr10-28608435-A-G. GRCh37 (hg19) VCF-style: chr10-28897364-A-G.
Other names: c.1030+4A>G (NM_100264.3); c.856+4A>G (NM_100486.4).
Identifiers: ClinVar variation 2902112 (VCV002902112.3), dbSNP rs1384507212, ClinGen allele CA592425436.

ClinVar aggregate classification (germline): Uncertain significance (1 of 4 stars; one submission).

Allele frequency attached by ClinVar (database versions not stated): gnomAD exomes below 0.00001.
gnomAD v4.1: 2 of 1,572,072 alleles (0.00013%); highest among the groups gnomAD compares: Non-Finnish European, 0.00017%; no homozygotes.

Submission:

Labcorp Genetics (formerly Invitae), Labcorp
Classification: Uncertain significance. Last evaluated: 2022-10-14. Review status: criteria provided, single submitter. Criteria: Invitae Variant Classification Sherloc (09022015). Collection method: clinical testing. Allele origin: germline.
Comment: In summary, the available evidence is currently insufficient to determine the role of this variant in disease. Therefore, it has been classified as a Variant of Uncertain Significance. Variants that disrupt the consensus splice site are a relatively common cause of aberrant splicing (PMID: 17576681, 9536098). Algorithms developed to predict the effect of sequence changes on RNA splicing suggest that this variant may disrupt the consensus splice site. This variant has not been reported in the literature in individuals affected with WAC-related conditions. This variant is present in population databases (no rsID available, gnomAD 0.001%). This sequence change falls in intron 8 of the WAC gene. It does not directly change the encoded amino acid sequence of the WAC protein. It affects a nucleotide within the consensus splice site.

Literature cited by the submitters: PubMed 17576681; PubMed 9536098.